The following is an entry in ClinVar:

NM_003738.5(PTCH2):c.606C>T (p.Ser202=)

Gene: PTCH2 (patched 2; minus strand). Cytogenetic location: 1p34.1.
Variant type: single nucleotide variant.
Coding change: c.606C>T on transcript NM_003738.5 (MANE Select); coding-DNA position 606, C replaced by T.
Protein change: p.Ser202=; no amino-acid change (serine 202 retained).
Molecular consequence: synonymous variant.
Genome position (GRCh38, 1-based): chr1:44,831,717, G>A on the plus strand (C>T on the coding strand, the complement: PTCH2 is on the minus strand). VCF-style: chr1-44831717-G-A. GRCh37 (hg19) VCF-style: chr1-45297389-G-A.
Other names: c.606C>T, p.Ser202= (NM_001166292.2).
Identifiers: ClinVar variation 700110 (VCV000700110.13), dbSNP rs61757785, ClinGen allele CA823575.

ClinVar aggregate classification (germline): Likely benign. Review status: criteria provided, single submitter (1 of 4 stars). 2 submissions from 2 submitters: Likely benign (1). 1 of the submissions does not count toward it. Last evaluated 2026-01-10.

Conditions:
Gorlin syndrome. Also called: Nevoid Basal Cell Carcinoma Syndrome; Basal cell nevus syndrome. Identifiers: Orphanet 377, MedGen C0004779, MONDO:0007187.
PTCH2-related disorder. Also called: PTCH2-related condition; PTCH2-related disease.

Allele frequency attached by ClinVar (database versions not stated): gnomAD exomes 0.00003; ExAC 0.00005; gnomAD 0.00021 and 0.00023; TOPMed 0.00022; ESP Exome Variant Server 0.00023; 1000 Genomes Project 30x 0.00094; 1000 Genomes Project 0.00100.
gnomAD v4.1: 61 of 1,560,138 alleles (0.0039%); highest among the groups gnomAD compares: African/African-American, 0.049%; 1 homozygote.

Submissions (2):

Labcorp Genetics (formerly Invitae), Labcorp
Classification: Likely benign for Gorlin syndrome. Last evaluated: 2026-01-10. Review status: criteria provided, single submitter. Criteria: Invitae Variant Classification Sherloc (09022015). Collection method: clinical testing. Allele origin: germline.

PreventionGenetics, part of Exact Sciences
Classification: Likely benign for PTCH2-related condition. Last evaluated: 2020-03-06. Review status: no assertion criteria provided. Collection method: clinical testing. Allele origin: germline. Not counted in ClinVar's aggregate classification.
Comment: This variant is classified as likely benign based on ACMG/AMP sequence variant interpretation guidelines (Richards et al. 2015 PMID: 25741868, with internal and published modifications).